The following is an entry in ClinVar:

ClinVar aggregate classification (germline): Uncertain significance (1 of 4 stars; one submission).

Conditions:
Lipoic acid synthetase deficiency. Also called: HYPERGLYCINEMIA, LACTIC ACIDOSIS, AND SEIZURES. Identifiers: Orphanet 401859, MedGen C3280887, MONDO:0013762, OMIM 614462.

Allele frequency attached by ClinVar (database versions not stated): gnomAD exomes below 0.00001; TOPMed 0.00001.
gnomAD v4.1: 1 of 1,611,096 alleles (0.000062%); highest among the groups gnomAD compares: African/African-American, 0.0013%; no homozygotes.

Submission:

Labcorp Genetics (formerly Invitae), Labcorp
Classification: Uncertain significance for Lipoic acid synthetase deficiency. Last evaluated: 2019-08-14. Review status: criteria provided, single submitter. Criteria: Invitae Variant Classification Sherloc (09022015). Collection method: clinical testing. Allele origin: germline.
Comment: In summary, the available evidence is currently insufficient to determine the role of this variant in disease. Therefore, it has been classified as a Variant of Uncertain Significance. Algorithms developed to predict the effect of missense changes on protein structure and function (SIFT, PolyPhen-2, Align-GVGD) all suggest that this variant is likely to be tolerated, but these predictions have not been confirmed by published functional studies and their clinical significance is uncertain. This variant has not been reported in the literature in individuals with LIAS-related conditions. This variant is not present in population databases (ExAC no frequency). This sequence change replaces tyrosine with phenylalanine at codon 290 of the LIAS protein (p.Tyr290Phe). The tyrosine residue is moderately conserved and there is a small physicochemical difference between tyrosine and phenylalanine.

NM_006859.4(LIAS):c.869A>T (p.Tyr290Phe)

Gene: LIAS (lipoic acid synthetase; plus strand). Cytogenetic location: 4p14.
Variant type: single nucleotide variant.
Coding change: c.869A>T on transcript NM_006859.4 (MANE Select); coding-DNA position 869, A replaced by T.
Protein change: p.Tyr290Phe; replaces tyrosine 290 with phenylalanine.
Molecular consequence: missense variant.
Genome position (GRCh38, 1-based): chr4:39,470,150, A>T. VCF-style: chr4-39470150-A-T. GRCh37 (hg19) VCF-style: chr4-39471770-A-T.
Other names: c.740A>T, p.Tyr247Phe (NM_001278590.2); c.560A>T, p.Tyr187Phe (NM_001363700.2); c.869A>T, p.Tyr290Phe (NM_194451.3); short protein forms Y187F, Y247F, Y290F.
Identifiers: ClinVar variation 963826 (VCV000963826.8), dbSNP rs1744929854, ClinGen allele CA356665411.
Genomic context (GRCh38, chr4:39,470,150, plus strand): 5'-CTGATGTTATTTCTAAAACATCTATAATGTTGGGTTTAGGCGAGAATGATGAGCAAGTAT[A>T]TGCAACAATGAAAGGTAAAGAAATTGAAAAATGAAAAATCTTTCCCATGTAATTTGAGTA-3'
Protein context (NP_006850.2, residues 280-300): LGLGENDEQV[Tyr290Phe]ATMKALREAD